The following is an entry in ClinVar:

ClinVar aggregate classification (germline): Uncertain significance (1 of 4 stars; one submission).

Conditions:
Inborn genetic diseases. Identifiers: MedGen C0950123, MeSH D030342.

Submission:

Ambry Genetics
Classification: Uncertain significance for Inborn genetic diseases. Last evaluated: 2022-05-10. Review status: criteria provided, single submitter. Criteria: Ambry Variant Classification Scheme 2023. Collection method: clinical testing. Allele origin: germline.
Comment: The c.1479_1508dupGCAGCAGCAGCAGCAGCAGCAGCAGCAGCA (p.Q493_Q502dup) alteration is located in exon 5 (coding exon 4) of the ATN1 gene. The alteration consists of an in-frame duplication of 30 nucleotides from position 1479 to 1508, resulting in the duplication of 10 residues. Based on insufficient or conflicting evidence, the clinical significance of this alteration remains unclear.

NM_001940.4(ATN1):c.1464GCA[25] (p.Gln502_His503insGlnGlnGlnGlnGlnGlnGlnGlnGlnGln)

Genes: ATN1 (atrophin 1; plus strand), LOC109461484 (atrophin 1 repeat instability region; plus strand). Cytogenetic location: 12p13.31.
Variant type: Microsatellite.
Coding change: c.1464GCA[25] on transcript NM_001940.4 (MANE Select); 25 copies in a row of the 3-base unit GCA starting at c.1464; the reference has 15 copies in a row; ten copies, 30 bases duplicated.
Protein change: p.Gln502_His503insGlnGlnGlnGlnGlnGlnGlnGlnGlnGln.
Molecular consequence: inframe insertion.
Genome position (GRCh38, 1-based): chr12:6,936,746-6,936,775, GCAGCAGCAGCAGCAGCAGCAGCAGCAGCA duplicated; duplicating any 30 consecutive bases within chr12:6,936,729-6,936,775 gives the same sequence; the position shown is the placement nearest the transcript's 3' end. VCF-style (leftmost placement, unchanged base first): chr12-6936728-A-ACAGCAGCAGCAGCAGCAGCAGCAGCAGCAG. GRCh37 (hg19) VCF-style: chr12-7045891-A-ACAGCAGCAGCAGCAGCAGCAGCAGCAGCAG.
Other names: c.1464GCA[25], p.Gln502_His503insGlnGlnGlnGlnGlnGlnGlnGlnGlnGln (NM_001007026.2).
Identifiers: ClinVar variation 2359127 (VCV002359127.2), dbSNP rs60216939, ClinGen allele CA919015597.